The following is an entry in ClinVar:

NM_001267550.2(TTN):c.95018C>T (p.Ala31673Val)

Genes: TTN (titin; minus strand), TTN-AS1 (TTN antisense RNA 1; plus strand). Cytogenetic location: 2q31.2.
Variant type: single nucleotide variant.
Coding change: c.95018C>T on transcript NM_001267550.2 (MANE Select); coding-DNA position 95018, C replaced by T.
Protein change: p.Ala31673Val; replaces alanine 31673 with valine.
Molecular consequence: missense variant.
Genome position (GRCh38, 1-based): chr2:178,546,313, G>A on the plus strand (C>T on the coding strand, the complement: TTN is on the minus strand). VCF-style: chr2-178546313-G-A. GRCh37 (hg19) VCF-style: chr2-179411040-G-A.
Other names: c.90095C>T, p.Ala30032Val (NM_001256850.1); c.67823C>T, p.Ala22608Val (NM_003319.4); c.87314C>T, p.Ala29105Val (NM_133378.4); c.68198C>T, p.Ala22733Val (NM_133432.3); c.68399C>T, p.Ala22800Val (NM_133437.4); short protein forms A29105V, A31673V, A22608V, A22733V, A22800V, A30032V.
Identifiers: ClinVar variation 191847 (VCV000191847.1), dbSNP rs200920551, ClinGen allele CA237689.

ClinVar aggregate classification (germline): Uncertain significance (1 of 4 stars; one submission).

Allele frequency attached by ClinVar (database versions not stated): gnomAD exomes below 0.00001.
gnomAD v4.1: 3 of 1,613,834 alleles (0.00019%); highest among the groups gnomAD compares: Non-Finnish European, 0.00017%; no homozygotes.

Submission:

Biesecker Lab/Clinical Genomics Section, National Institutes of Health
Classification: Uncertain significance. Last evaluated: 2013-06-24. Review status: criteria provided, single submitter. Criteria: Ng et al. (Circ Cardiovasc Genet. 2013). Collection method: research. Allele origin: unknown. Observed: 1 variant allele. Study: ClinSeq.
Comment: The study set was not selected for affection status in relation to any cancer. Pathogenicity categories were based on literature curation. See Pubmed ID:23861362 for details.

Medical sequencing